The following is an entry in ClinVar:

NM_003873.7(NRP1):c.163G>A (p.Glu55Lys)

Gene: NRP1 (neuropilin 1; minus strand). Cytogenetic location: 10p11.22.
Variant type: single nucleotide variant.
Coding change: c.163G>A on transcript NM_003873.7 (MANE Select); coding-DNA position 163, G replaced by A.
Protein change: p.Glu55Lys; replaces glutamic acid 55 with lysine.
Molecular consequence: missense variant. On other transcripts: non-coding transcript variant (1).
Genome position (GRCh38, 1-based): chr10:33,330,793, C>T on the plus strand (G>A on the coding strand, the complement: NRP1 is on the minus strand). VCF-style: chr10-33330793-C-T. GRCh37 (hg19) VCF-style: chr10-33619721-C-T.
Other names: c.163G>A, p.Glu55Lys (NM_001024628.3, NM_001024629.3, NM_001244972.2 and 2 more transcripts); short protein forms E55K.
Identifiers: ClinVar variation 4990644 (VCV004990644.1).

ClinVar aggregate classification (germline): Uncertain significance (1 of 4 stars; one submission).

Conditions:
NRP1-related disorder. Also called: NRP1-related condition.

gnomAD v4.1: 2 of 1,613,878 alleles (0.00012%); highest among the groups gnomAD compares: Admixed American, 0.0033%; no homozygotes.

Submission:

PreventionGenetics, part of Exact Sciences
Classification: Uncertain significance for NRP1-related condition. Last evaluated: 2026-03-03. Review status: criteria provided, single submitter. Criteria: ACMG Guidelines, 2015. Collection method: clinical testing. Allele origin: germline.
Comment: The NRP1 c.163G>A variant is predicted to result in the amino acid substitution p.Glu55Lys. To our knowledge, this variant has not been reported in the literature. This variant is reported in 0.0057% of alleles in individuals of Latino descent in gnomAD. At this time, the clinical significance of this variant is uncertain due to the absence of conclusive functional and genetic evidence.